The following is an entry in ClinVar:

ClinVar aggregate classification (germline): Likely benign. Review status: criteria provided, multiple submitters, no conflicts (2 of 4 stars). 3 submissions from 3 submitters: Likely benign (3). Last evaluated 2025-12-30.

Conditions:
Juvenile polyposis syndrome (JPS). Identifiers: Orphanet 2929, MedGen C0345893, MONDO:0017380, OMIM 174900.
Hereditary cancer-predisposing syndrome. Also called: Hereditary neoplastic syndrome; Tumor predisposition; Neoplastic Syndromes, Hereditary; Hereditary Cancer Syndrome. Identifiers: Orphanet 140162, MedGen C0027672, MeSH D009386, MONDO:0015356.

Allele frequency attached by ClinVar (database versions not stated): ESP Exome Variant Server 0.00008.
gnomAD v4.1: 22 of 1,585,686 alleles (0.0014%); highest among the groups gnomAD compares: African/African-American, 0.0013%; no homozygotes.

Submissions (3):

Labcorp Genetics (formerly Invitae), Labcorp
Classification: Likely benign for Juvenile polyposis syndrome. Last evaluated: 2025-12-30. Review status: criteria provided, single submitter. Criteria: Invitae Variant Classification Sherloc (09022015). Collection method: clinical testing. Allele origin: germline.

Color Diagnostics, LLC DBA Color Health
Classification: Likely benign for Hereditary cancer-predisposing syndrome. Last evaluated: 2016-09-20. Review status: criteria provided, single submitter. Criteria: ACMG Guidelines, 2015. Collection method: clinical testing. Allele origin: germline.

GeneDx
Classification: Likely benign. Last evaluated: 2016-05-24. Review status: criteria provided, single submitter. Criteria: GeneDx Variant Classification (06012015). Collection method: clinical testing. Allele origin: germline. Affected: yes.
Comment: This variant is considered likely benign or benign based on one or more of the following criteria: it is a conservative change, it occurs at a poorly conserved position in the protein, it is predicted to be benign by multiple in silico algorithms, and/or has population frequency not consistent with disease.

NM_005359.6(SMAD4):c.667+17G>A

Gene: SMAD4 (SMAD family member 4; plus strand). Cytogenetic location: 18q21.2.
Variant type: single nucleotide variant.
Coding change: c.667+17G>A on transcript NM_005359.6 (MANE Select); 17 bases into the intron after coding-DNA position 667, G replaced by A.
Molecular consequence: intron variant.
Genome position (GRCh38, 1-based): chr18:51,055,010, G>A. VCF-style: chr18-51055010-G-A. GRCh37 (hg19) VCF-style: chr18-48581380-G-A.
Identifiers: ClinVar variation 380355 (VCV000380355.11), dbSNP rs370726274, ClinGen allele CA8965866.